The following is an entry in ClinVar:

ClinVar aggregate classification (germline): Likely pathogenic (0 of 4 stars; one submission).

Conditions:
Neuronal ceroid lipofuscinosis 1 (CLN1). Also called: CEROID LIPOFUSCINOSIS, NEURONAL, 1, VARIABLE AGE AT ONSET; PPT1-Related Neuronal Ceroid-Lipofuscinosis. Identifiers: Orphanet 228329, MedGen C1850451, MONDO:0009744, OMIM 256730.

Submission:

Juha Muilu Group; Institute for Molecular Medicine Finland (FIMM)
Classification: Likely pathogenic for Ceroid lipofuscinosis neuronal 1. Review status: no assertion criteria provided. Collection method: not provided. Allele origin: unknown.
Comment: FinDis database variant: This variant was not found or characterized by our laboratory, data were collected from public sources: see reference
ClinVar note: Converted during submission from probable-pathogenic to Likely pathogenic.

NM_000310.4(PPT1):c.774dup (p.Gln259fs)

Gene: PPT1 (palmitoyl-protein thioesterase 1; minus strand). Cytogenetic location: 1p34.2.
Variant type: Duplication.
Coding change: c.774dup on transcript NM_000310.4 (MANE Select); coding-DNA position 774, one base duplicated (A; older notation c.774dupA).
Protein change: p.Gln259fs; shifts the reading frame from glutamine 259.
Molecular consequence: frameshift variant. On other transcripts: intron variant (1).
Genome position (GRCh38, 1-based): chr1:40,076,866, T duplicated on the plus strand (A on the coding strand, the reverse complement: PPT1 is on the minus strand). VCF-style (leftmost placement, unchanged base first): chr1-40076865-G-GT. GRCh37 (hg19) VCF-style: chr1-40542537-G-GT.
Other names: c.465dup, p.Gln156fs (NM_001142604.2); c.726+1694dup (NM_001363695.2); c.774dupA (NM_000310.3); short protein forms Q259fs, Q156fs.
Identifiers: ClinVar variation 56216 (VCV000056216.2), dbSNP rs386833667, ClinGen allele CA263550.
Genomic context (GRCh38, chr1:40,076,865, plus strand): 5'-AACACCAACCTCCCAAGATAGACTCCCTGCCAGTTACCTGTGTGTACAGGGAGGTCTCCT[G>GT]TAAGGGAATGGTTTCCTTGGCTTGGCCACTTCTGTAAAATCCAAACCACTGCAGAAGAAG-3'